The following is an entry in ClinVar:

NM_144997.7(FLCN):c.1222C>G (p.Gln408Glu)

Gene: FLCN (folliculin; minus strand). Cytogenetic location: 17p11.2.
Variant type: single nucleotide variant.
Coding change: c.1222C>G on transcript NM_144997.7 (MANE Select); coding-DNA position 1222, C replaced by G.
Protein change: p.Gln408Glu; replaces glutamine 408 with glutamic acid.
Molecular consequence: missense variant.
Genome position (GRCh38, 1-based): chr17:17,216,458, G>C on the plus strand (C>G on the coding strand, the complement: FLCN is on the minus strand). VCF-style: chr17-17216458-G-C. GRCh37 (hg19) VCF-style: chr17-17119772-G-C.
Other names: c.1276C>G, p.Gln426Glu (NM_001353229.2); c.1222C>G, p.Gln408Glu (NM_001353230.2, NM_001353231.2); short protein forms Q408E, Q426E.
Identifiers: ClinVar variation 4807648 (VCV004807648.1).

ClinVar aggregate classification (germline): Uncertain significance (1 of 4 stars; one submission).

Conditions:
Birt-Hogg-Dube syndrome. Also called: Birt Hogg Dubé syndrome. Identifiers: Orphanet 122, MedGen C0346010, MONDO:0800444.

Submission:

Labcorp Genetics (formerly Invitae), Labcorp
Classification: Uncertain significance for Birt-Hogg-Dube syndrome. Last evaluated: 2026-01-11. Review status: criteria provided, single submitter. Criteria: Invitae Variant Classification Sherloc (09022015). Collection method: clinical testing. Allele origin: germline.
Comment: This sequence change replaces glutamine, which is neutral and polar, with glutamic acid, which is acidic and polar, at codon 408 of the FLCN protein (p.Gln408Glu). This variant is not present in population databases (gnomAD no frequency). This variant has not been reported in the literature in individuals affected with FLCN-related conditions. Invitae Evidence Modeling of protein sequence and biophysical properties (such as structural, functional, and spatial information, amino acid conservation, physicochemical variation, residue mobility, and thermodynamic stability) indicates that this missense variant is not expected to disrupt FLCN protein function with a negative predictive value of 80%. In summary, the available evidence is currently insufficient to determine the role of this variant in disease. Therefore, it has been classified as a Variant of Uncertain Significance.